The following is an entry in ClinVar:

ClinVar aggregate classification (germline): Likely benign. Review status: criteria provided, multiple submitters, no conflicts (2 of 4 stars). 3 submissions from 3 submitters: Likely benign (3). Last evaluated 2026-02-05.

Conditions:
TTN-related disorder. Also called: TTN-related disorders; TTN-related condition; TTN-related disease.
Cardiovascular phenotype. Identifiers: MedGen CN230736.

Allele frequency attached by ClinVar (database versions not stated): gnomAD exomes 0.00001; ExAC 0.00002; TOPMed 0.00008; ESP Exome Variant Server 0.00023.
gnomAD v4.1: 26 of 1,608,752 alleles (0.0016%); highest among the groups gnomAD compares: African/African-American, 0.013%; no homozygotes.

Submissions (3):

PreventionGenetics, part of Exact Sciences
Classification: Likely benign for TTN-related condition. Last evaluated: 2026-02-05. Review status: criteria provided, single submitter. Criteria: ACMG Guidelines, 2015. Collection method: clinical testing. Allele origin: germline.
Comment: This variant is classified as likely benign based on ACMG/AMP sequence variant interpretation guidelines (Richards et al. 2015 PMID: 25741868, with internal and published modifications).

Women's Health and Genetics/Laboratory Corporation of America, LabCorp
Classification: Likely benign. Last evaluated: 2024-12-23. Review status: criteria provided, single submitter. Criteria: LabCorp Variant Classification Summary - May 2015. Collection method: clinical testing. Allele origin: germline.

Ambry Genetics
Classification: Likely benign for Cardiovascular phenotype. Last evaluated: 2022-10-17. Review status: criteria provided, single submitter. Criteria: Ambry Variant Classification Scheme 2023. Collection method: clinical testing. Allele origin: germline.

NM_001267550.2(TTN):c.1176G>A (p.Ala392=)

Gene: TTN (titin; minus strand). Cytogenetic location: 2q31.2.
Variant type: single nucleotide variant.
Coding change: c.1176G>A on transcript NM_001267550.2 (MANE Select); coding-DNA position 1176, G replaced by A.
Protein change: p.Ala392=; no amino-acid change (alanine 392 retained).
Molecular consequence: synonymous variant.
Genome position (GRCh38, 1-based): chr2:178,794,991, C>T on the plus strand (G>A on the coding strand, the complement: TTN is on the minus strand). VCF-style: chr2-178794991-C-T. GRCh37 (hg19) VCF-style: chr2-179659718-C-T.
Other names: c.1176G>A, p.Ala392= (NM_001256850.1, NM_003319.4, NM_133378.4 and 3 more transcripts).
Identifiers: ClinVar variation 1740842 (VCV001740842.4), dbSNP rs139985320, ClinGen allele CA2006129.